The following is an entry in ClinVar:

NM_024548.4(CEP97):c.2222G>T (p.Arg741Ile)

Gene: CEP97 (centrosomal protein 97; plus strand). Cytogenetic location: 3q12.3.
Variant type: single nucleotide variant.
Coding change: c.2222G>T on transcript NM_024548.4 (MANE Select); coding-DNA position 2222, G replaced by T.
Protein change: p.Arg741Ile; replaces arginine 741 with isoleucine.
Molecular consequence: missense variant.
Genome position (GRCh38, 1-based): chr3:101,765,175, G>T. VCF-style: chr3-101765175-G-T. GRCh37 (hg19) VCF-style: chr3-101484019-G-T.
Other names: c.2045G>T, p.Arg682Ile (NM_001303401.2); c.2120G>T, p.Arg707Ile (NM_001410784.1); c.1943G>T, p.Arg648Ile (NM_001410785.1); short protein forms R707I, R741I, R648I, R682I.
Identifiers: ClinVar variation 2070078 (VCV002070078.6), dbSNP rs138793922, ClinGen allele CA2522292.

ClinVar aggregate classification (germline): Uncertain significance. Review status: criteria provided, multiple submitters, no conflicts (2 of 4 stars). 2 submissions from 2 submitters: Uncertain significance (2). Last evaluated 2025-12-23.

Allele frequency attached by ClinVar (database versions not stated): gnomAD 0.00014; TOPMed 0.00015; 1000 Genomes Project 30x 0.00031; ESP Exome Variant Server 0.00038; 1000 Genomes Project 0.00040.
gnomAD v4.1: 413 of 1,614,222 alleles (0.026%); highest among the groups gnomAD compares: Middle Eastern, 0.049%; no homozygotes.

Submissions (2):

Labcorp Genetics (formerly Invitae), Labcorp
Classification: Uncertain significance. Last evaluated: 2025-12-23. Review status: criteria provided, single submitter. Criteria: Invitae Variant Classification Sherloc (09022015). Collection method: clinical testing. Allele origin: germline.
Comment: This sequence change replaces arginine, which is basic and polar, with isoleucine, which is neutral and non-polar, at codon 741 of the CEP97 protein (p.Arg741Ile). This variant is present in population databases (rs138793922, gnomAD 0.03%). This variant has not been reported in the literature in individuals affected with CEP97-related conditions. ClinVar contains an entry for this variant (Variation ID: 2070078). Invitae Evidence Modeling of protein sequence and biophysical properties (such as structural, functional, and spatial information, amino acid conservation, physicochemical variation, residue mobility, and thermodynamic stability) indicates that this missense variant is not expected to disrupt CEP97 protein function with a negative predictive value of 80%. In summary, the available evidence is currently insufficient to determine the role of this variant in disease. Therefore, it has been classified as a Variant of Uncertain Significance.

Ambry Genetics
Classification: Uncertain significance. Last evaluated: 2024-08-21. Review status: criteria provided, single submitter. Criteria: Ambry Variant Classification Scheme 2023. Collection method: clinical testing. Allele origin: germline.